The following is an entry in ClinVar:

ClinVar aggregate classification (germline): Uncertain significance. Review status: criteria provided, multiple submitters, no conflicts (2 of 4 stars). 2 submissions from 2 submitters: Uncertain significance (2). Last evaluated 2024-10-29.

Conditions:
Hypertrophic cardiomyopathy. Also called: HYPERTROPHIC MYOCARDIOPATHY. Identifiers: Orphanet 217569, MedGen C0007194, MeSH D002312, MONDO:0005045, HP:0001639.
Cardiomyopathy (CMYO). Also called: Cardiomyopathies. Identifiers: Orphanet 167848, MedGen C0878544, MONDO:0004994, HP:0001638. Inheritance: Various modes of inheritance.

Allele frequency attached by ClinVar (database versions not stated): gnomAD exomes below 0.00001.
gnomAD v4.1: 1 of 1,613,172 alleles (0.000062%); highest among the groups gnomAD compares: South Asian, 0.0011%; no homozygotes.

Submissions (2):

Color Diagnostics, LLC DBA Color Health
Classification: Uncertain significance for Cardiomyopathy. Last evaluated: 2024-10-29. Review status: criteria provided, single submitter. Criteria: ACMG Guidelines, 2015. Collection method: clinical testing. Allele origin: germline.
Comment: This missense variant replaces alanine with valine at codon 153 of the TNNI3 protein. This variant is found within a highly conserved region of the actin binding region. Missense variants in this region have been shown to be significantly overrepresented in individuals with affected with hypertrophic cardiomyopathy (PMID: 30696458). Computational prediction suggests that this variant may have deleterious impact on protein structure and function. To our knowledge, functional studies have not been reported for this variant. This variant has not been reported in individuals affected with TNNI3-related disorders in the literature. This variant has not been identified in the general population by the Genome Aggregation Database (gnomAD). The available evidence is insufficient to determine the role of this variant in disease conclusively. Therefore, this variant is classified as a Variant of Uncertain Significance.

Labcorp Genetics (formerly Invitae), Labcorp
Classification: Uncertain significance for Hypertrophic cardiomyopathy. Last evaluated: 2022-05-18. Review status: criteria provided, single submitter. Criteria: Invitae Variant Classification Sherloc (09022015). Collection method: clinical testing. Allele origin: germline.
Comment: This sequence change replaces alanine, which is neutral and non-polar, with valine, which is neutral and non-polar, at codon 153 of the TNNI3 protein (p.Ala153Val). This variant is not present in population databases (gnomAD no frequency). This variant has not been reported in the literature in individuals affected with TNNI3-related conditions. ClinVar contains an entry for this variant (Variation ID: 921449). Algorithms developed to predict the effect of missense changes on protein structure and function are either unavailable or do not agree on the potential impact of this missense change (SIFT: "Deleterious"; PolyPhen-2: "Benign"; Align-GVGD: "Class C55"). In summary, the available evidence is currently insufficient to determine the role of this variant in disease. Therefore, it has been classified as a Variant of Uncertain Significance.

Literature cited by the submitters: PubMed 30696458 (cited by Color Diagnostics, LLC DBA Color Health).

NM_000363.5(TNNI3):c.458C>T (p.Ala153Val)

Gene: TNNI3 (troponin I3, cardiac type; minus strand). Cytogenetic location: 19q13.42.
Variant type: single nucleotide variant.
Coding change: c.458C>T on transcript NM_000363.5 (MANE Select); coding-DNA position 458, C replaced by T.
Protein change: p.Ala153Val; replaces alanine 153 with valine.
Molecular consequence: missense variant.
Genome position (GRCh38, 1-based): chr19:55,154,121, G>A on the plus strand (C>T on the coding strand, the complement: TNNI3 is on the minus strand). VCF-style: chr19-55154121-G-A. GRCh37 (hg19) VCF-style: chr19-55665489-G-A.
Other names: short protein forms A153V.
Identifiers: ClinVar variation 921449 (VCV000921449.8), dbSNP rs730881073, ClinGen allele CA407440446.